The following is an entry in ClinVar:

NM_022081.6(HPS4):c.1680G>A (p.Pro560=)

Gene: HPS4 (HPS4 biogenesis of lysosomal organelles complex 3 subunit 2; minus strand). Cytogenetic location: 22q12.1.
Variant type: single nucleotide variant.
Coding change: c.1680G>A on transcript NM_022081.6 (MANE Select); coding-DNA position 1680, G replaced by A.
Protein change: p.Pro560=; no amino-acid change (proline 560 retained).
Molecular consequence: synonymous variant. On other transcripts: non-coding transcript variant (8).
Genome position (GRCh38, 1-based): chr22:26,463,950, C>T on the plus strand (G>A on the coding strand, the complement: HPS4 is on the minus strand). VCF-style: chr22-26463950-C-T. GRCh37 (hg19) VCF-style: chr22-26859916-C-T.
Other names: c.1680G>A, p.Pro560= (NM_001349896.1, NM_001349898.2, NM_001349899.2 and 4 more transcripts); c.1734G>A, p.Pro578= (NM_001349900.2, NM_001349901.1); c.1665G>A, p.Pro555= (NM_152841.2).
Identifiers: ClinVar variation 341004 (VCV000341004.37), dbSNP rs527653764, ClinGen allele CA10163266.

ClinVar aggregate classification (germline): Conflicting classifications of pathogenicity. Review status: criteria provided, conflicting classifications (1 of 4 stars). 3 submissions from 3 submitters: Uncertain significance (1); Likely benign (2). Last evaluated 2026-01-31.

Conditions:
Hermansky-Pudlak syndrome 4 (HPS4). Identifiers: Orphanet 231500, Orphanet 79430, MedGen C3484357, MONDO:0013556, OMIM 614073.

Allele frequency attached by ClinVar (database versions not stated): ExAC 0.00009; gnomAD exomes 0.00010 and 0.00015; TOPMed 0.00016; gnomAD 0.00017.
gnomAD v4.1: 258 of 1,613,920 alleles (0.016%); highest among the groups gnomAD compares: Non-Finnish European, 0.02%; no homozygotes.

Submissions (3):

Labcorp Genetics (formerly Invitae), Labcorp
Classification: Likely benign. Last evaluated: 2026-01-31. Review status: criteria provided, single submitter. Criteria: Invitae Variant Classification Sherloc (09022015). Collection method: clinical testing. Allele origin: germline.

CeGaT Center for Human Genetics Tuebingen
Classification: Likely benign. Last evaluated: 2022-05-01. Review status: criteria provided, single submitter. Criteria: CeGaT Center For Human Genetics Tuebingen Variant Classification Criteria Version 2. Collection method: clinical testing. Allele origin: germline. Affected: yes. Observed: 1 variant allele.
Comment: HPS4: BP4, BP7

Illumina Laboratory Services, Illumina
Classification: Uncertain significance for Hermansky-Pudlak syndrome 4. Last evaluated: 2018-01-13. Review status: criteria provided, single submitter. Criteria: ICSL Variant Classification Criteria 13 December 2019. Collection method: clinical testing. Allele origin: germline.